The following is an entry in ClinVar:

NM_018451.5(CPAP):c.289dup (p.Thr97fs)

Gene: CPAP (centrosome assembly and centriole elongation protein; minus strand). Cytogenetic location: 13q12.13.
Variant type: Duplication.
Coding change: c.289dup on transcript NM_018451.5 (MANE Select); coding-DNA position 289, one base duplicated (A; older notation c.289dupA).
Protein change: p.Thr97fs; shifts the reading frame from threonine 97.
Molecular consequence: frameshift variant. On other transcripts: non-coding transcript variant (2).
Genome position (GRCh38, 1-based): chr13:24,912,737, T duplicated on the plus strand (A on the coding strand, the reverse complement: CPAP is on the minus strand). VCF-style (leftmost placement, unchanged base first): chr13-24912736-G-GT. GRCh37 (hg19) VCF-style: chr13-25486874-G-GT.
Other names: c.289dup (NM_018451.3); short protein forms T97fs.
Identifiers: ClinVar variation 279750 (VCV000279750.15), dbSNP rs759188041, ClinGen allele CA6920046.

ClinVar aggregate classification (germline): Pathogenic. Review status: criteria provided, multiple submitters, no conflicts (2 of 4 stars). 4 submissions from 4 submitters: Pathogenic (4). Last evaluated 2025-11-18.

Conditions:
Primary microcephaly. Also called: Congenital microcephaly. Identifiers: MedGen C2677180, HP:0011451.
Lissencephaly type 3. Identifiers: Orphanet 102011, MedGen C1969029, MONDO:0015148.
Perisylvian polymicrogyria. Identifiers: MedGen C3279675, HP:0012650.
Moderate intellectual disability. Also called: Moderae intellectual disability; Moderate ID. Identifiers: MedGen C0026351, HP:0002342.
Microcephaly 6, primary, autosomal recessive. Identifiers: Orphanet 2512, MedGen C1842109, MONDO:0012029, OMIM 608393.

Allele frequency attached by ClinVar (database versions not stated): ExAC 0.00001; gnomAD exomes 0.00001 and 0.00003; gnomAD 0.00003 and 0.00004; TOPMed 0.00004; ESP Exome Variant Server 0.00008.

Submissions (4):

Labcorp Genetics (formerly Invitae), Labcorp
Classification: Pathogenic. Last evaluated: 2025-11-18. Review status: criteria provided, single submitter. Criteria: Invitae Variant Classification Sherloc (09022015). Collection method: clinical testing. Allele origin: germline.
Comment: This sequence change creates a premature translational stop signal (p.Thr97Asnfs*7) in the CENPJ gene. It is expected to result in an absent or disrupted protein product. Loss-of-function variants in CENPJ are known to be pathogenic (PMID: 15793586, 16900296, 20522431). This variant is present in population databases (rs759188041, gnomAD 0.01%). This premature translational stop signal has been observed in individual(s) with primary microcephaly (PMID: 32549991). ClinVar contains an entry for this variant (Variation ID: 279750). For these reasons, this variant has been classified as Pathogenic.

GeneDx
Classification: Pathogenic. Last evaluated: 2024-05-12. Review status: criteria provided, single submitter. Criteria: GeneDx Variant Classification Process June 2021. Collection method: clinical testing. Allele origin: germline. Affected: yes.
Comment: Frameshift variant predicted to result in protein truncation or nonsense mediated decay in a gene for which loss of function is a known mechanism of disease; This variant is associated with the following publications: (PMID: 31589614, 31484711, 32549991)

Laboratorio de Genetica e Diagnostico Molecular, Hospital Israelita Albert Einstein
Classification: Pathogenic for Microcephaly 6, primary, autosomal recessive. Last evaluated: 2022-10-29. Review status: criteria provided, single submitter. Criteria: ACMG Guidelines, 2015. Collection method: clinical testing. Allele origin: germline. Affected: yes. Observed: 2 variant alleles.
Comment: ACMG classification criteria: PVS1 very strong, PM2 supporting, PM3 moderated

Area of Clinical and Molecular Genetics, Hospital Universitario Vall de Hebron
Classification: Pathogenic for Primary microcephaly; Microlissencephaly; Perisylvian polymicrogyria; Moderate intellectual disability. Last evaluated: 2019-08-26. Review status: criteria provided, single submitter. Criteria: ACMG Guidelines, 2015. Collection method: clinical testing. Allele origin: maternal. Inheritance: Autosomal recessive inheritance. Affected: yes. Observed: 1 compound heterozygote.
Comment: Variant found in trans with the pathogenic variant NM_018451.5:c.1132C>T on gene CENPJ.

Literature cited by the submitters: PubMed 15793586 (cited by Labcorp Genetics (formerly Invitae), Labcorp); PubMed 16900296 (cited by Labcorp Genetics (formerly Invitae), Labcorp); PubMed 20522431 (cited by Labcorp Genetics (formerly Invitae), Labcorp); PubMed 32549991 (cited by Labcorp Genetics (formerly Invitae), Labcorp).